The following is an entry in ClinVar:

ClinVar aggregate classification (germline): Likely benign (1 of 4 stars; one submission).

Conditions:
MELAS syndrome (MELAS). Also called: Juvenile myopathy, encephalopathy, lactic acidosis, stroke. Identifiers: Orphanet 550, MedGen C0162671, MONDO:0010789, OMIM 540000.

Submission:

Wong Mito Lab, Molecular and Human Genetics, Baylor College of Medicine
Classification: Likely benign for MELAS syndrome. Last evaluated: 2019-07-12. Review status: criteria provided, single submitter. Criteria: Modified ACMG Guidelines (Unpublished). Collection method: clinical testing. Allele origin: germline.
Comment: The NC_012920.1:m.3261A>G variant in MT-TL1 gene is interpreted to be a Likely Benign variant based on the modified ACMG guidelines (unpublished). This variant meets the following evidence codes reported in the guidelines: BS1, BP4

Literature cited by the submitters: PubMed 31965079.

NC_012920.1(MT-TL1):m.3261A>G

Gene: MT-TL1 (mitochondrially encoded tRNA leucine 1 (UUA/G); plus strand).
Variant type: single nucleotide variant.
Genome position: chrM-3261-A-G.
Identifiers: ClinVar variation 689862 (VCV000689862.1), dbSNP rs1603218859, ClinGen allele CA913169035.
Genomic context (GRCh38, chrMT:3,261, plus strand): 5'-ATACCCACACCCACCCAAGAACAGGGTTTGTTAAGATGGCAGAGCCCGGTAATCGCATAA[A>G]ACTTAAAACTTTACAGTCAGAGGTTCAATTCCTCTTCTTAACAACATACCCATGGCCAAC-3'